The following is an entry in ClinVar:

ClinVar aggregate classification (germline): Uncertain significance. Review status: criteria provided, multiple submitters, no conflicts (2 of 4 stars). 2 submissions from 2 submitters: Uncertain significance (2). Last evaluated 2025-04-02.

Conditions:
Hereditary cancer-predisposing syndrome. Also called: Tumor predisposition; Hereditary Cancer Syndrome; Hereditary neoplastic syndrome; Neoplastic Syndromes, Hereditary. Identifiers: Orphanet 140162, MedGen C0027672, MeSH D009386, MONDO:0015356.
POLD1-related polyposis and colorectal cancer syndrome (CRCS10). Also called: Colorectal cancer 10; COLORECTAL CANCER, SUSCEPTIBILITY TO, ON CHROMOSOME 19q; Colorectal cancer, susceptibility to, 10. Identifiers: Orphanet 220460, MedGen C2675481, MONDO:0012953, OMIM 612591.

Allele frequency attached by ClinVar (database versions not stated): TOPMed below 0.00001.

Submissions (2):

Labcorp Genetics (formerly Invitae), Labcorp
Classification: Uncertain significance for POLD1-related polyposis and colorectal cancer syndrome. Last evaluated: 2025-04-02. Review status: criteria provided, single submitter. Criteria: Invitae Variant Classification Sherloc (09022015). Collection method: clinical testing. Allele origin: germline.
Comment: This sequence change replaces threonine, which is neutral and polar, with alanine, which is neutral and non-polar, at codon 539 of the POLD1 protein (p.Thr539Ala). This variant is not present in population databases (gnomAD no frequency). This variant has not been reported in the literature in individuals affected with POLD1-related conditions. ClinVar contains an entry for this variant (Variation ID: 484374). Invitae Evidence Modeling of protein sequence and biophysical properties (such as structural, functional, and spatial information, amino acid conservation, physicochemical variation, residue mobility, and thermodynamic stability) indicates that this missense variant is not expected to disrupt POLD1 protein function with a negative predictive value of 80%. In summary, the available evidence is currently insufficient to determine the role of this variant in disease. Therefore, it has been classified as a Variant of Uncertain Significance.

Ambry Genetics
Classification: Uncertain significance for Hereditary cancer-predisposing syndrome. Last evaluated: 2024-07-11. Review status: criteria provided, single submitter. Criteria: Ambry Variant Classification Scheme 2023. Collection method: clinical testing. Allele origin: germline.
Comment: The p.T539A variant (also known as c.1615A>G), located in coding exon 12 of the POLD1 gene, results from an A to G substitution at nucleotide position 1615. The threonine at codon 539 is replaced by alanine, an amino acid with similar properties. This amino acid position is highly conserved in available vertebrate species. In addition, the in silico prediction for this alteration is inconclusive. Since supporting evidence is limited at this time, the clinical significance of this alteration remains unclear.

NM_002691.4(POLD1):c.1615A>G (p.Thr539Ala)

Gene: POLD1 (DNA polymerase delta 1, catalytic subunit; plus strand). Cytogenetic location: 19q13.33.
Variant type: single nucleotide variant.
Coding change: c.1615A>G on transcript NM_002691.4 (MANE Select); coding-DNA position 1615, A replaced by G.
Protein change: p.Thr539Ala; replaces threonine 539 with alanine.
Molecular consequence: missense variant. On other transcripts: non-coding transcript variant (1).
Genome position (GRCh38, 1-based): chr19:50,407,103, A>G. VCF-style: chr19-50407103-A-G. GRCh37 (hg19) VCF-style: chr19-50910360-A-G.
Other names: c.1615A>G, p.Thr539Ala (NM_001256849.1, NM_001308632.1); short protein forms T539A.
Identifiers: ClinVar variation 484374 (VCV000484374.15), dbSNP rs1555791424, ClinGen allele CA406980979.